The following is an entry in ClinVar:

ClinVar aggregate classification (germline): Pathogenic (1 of 4 stars; one submission).

Conditions:
CHARGE syndrome (CHARGE). Also called: Hittner Hirsch Kreh syndrome; CHARGE ASSOCIATION--COLOBOMA, HEART ANOMALY, CHOANAL ATRESIA, RETARDATION, GENITAL AND EAR ANOMALIES; Coloboma, heart anomaly, choanal atresia, retardation, genital and ear anomalies; CHARGE association; Hall-Hittner syndrome. Identifiers: Orphanet 138, MedGen C0265354, MONDO:0008965.

Submission:

Labcorp Genetics (formerly Invitae), Labcorp
Classification: Pathogenic for CHARGE syndrome. Last evaluated: 2024-05-28. Review status: criteria provided, single submitter. Criteria: Invitae Variant Classification Sherloc (09022015). Collection method: clinical testing. Allele origin: germline.
Comment: This sequence change creates a premature translational stop signal (p.Gln509Serfs*46) in the CHD7 gene. It is expected to result in an absent or disrupted protein product. Loss-of-function variants in CHD7 are known to be pathogenic (PMID: 22461308, 25077900). This variant is not present in population databases (gnomAD no frequency). This variant has not been reported in the literature in individuals affected with CHD7-related conditions. For these reasons, this variant has been classified as Pathogenic.

Literature cited by the submitters: PubMed 22461308; PubMed 25077900.

NM_017780.4(CHD7):c.1524_1551del (p.Gln509fs)

Gene: CHD7 (chromodomain helicase DNA binding protein 7; plus strand). Cytogenetic location: 8q12.2.
Variant type: Deletion.
Coding change: c.1524_1551del on transcript NM_017780.4 (MANE Select); coding-DNA positions 1524 to 1551, 28 bases deleted (TCAGCAGTTGCCAACCTGTCCTCCACTG).
Protein change: p.Gln509fs; shifts the reading frame from glutamine 509.
Molecular consequence: frameshift variant.
Genome position (GRCh38, 1-based): chr8:60,742,956-60,742,983, TCAGCAGTTGCCAACCTGTCCTCCACTG deleted. VCF-style (leftmost placement, unchanged base first): chr8-60742955-TTCAGCAGTTGCCAACCTGTCCTCCACTG-T. GRCh37 (hg19) VCF-style: chr8-61655514-TTCAGCAGTTGCCAACCTGTCCTCCACTG-T.
Other names: c.1524_1551del, p.Gln509fs (NM_001316690.1); short protein forms Q509fs.
Identifiers: ClinVar variation 3654887 (VCV003654887.2).